The following is an entry in ClinVar:

NM_003106.4(SOX2):c.20C>T (p.Thr7Met)

Genes: SOX2 (SRY-box transcription factor 2; plus strand), SOX2-OT (SOX2 overlapping transcript; plus strand), LOC108281177 (SOX2 5' regulatory region; plus strand). Cytogenetic location: 3q26.33.
Variant type: single nucleotide variant.
Coding change: c.20C>T on transcript NM_003106.4 (MANE Select); coding-DNA position 20, C replaced by T.
Protein change: p.Thr7Met; replaces threonine 7 with methionine.
Molecular consequence: missense variant.
Genome position (GRCh38, 1-based): chr3:181,712,380, C>T. VCF-style: chr3-181712380-C-T. GRCh37 (hg19) VCF-style: chr3-181430168-C-T.
Other names: c.20C>T (NM_003106.3); short protein forms T7M.
Identifiers: ClinVar variation 870447 (VCV000870447.5), dbSNP rs1714834018, ClinGen allele CA355472959.

ClinVar aggregate classification (germline): Uncertain significance. Review status: criteria provided, multiple submitters, no conflicts (2 of 4 stars). 3 submissions from 3 submitters: Uncertain significance (3). Last evaluated 2025-12-11.

Conditions:
Inborn genetic diseases. Identifiers: MedGen C0950123, MeSH D030342.
Congenital aniridia. Also called: Aniridia. Identifiers: MedGen C0003076, MONDO:0019172, HP:0000526.

Allele frequency attached by ClinVar (database versions not stated): gnomAD exomes below 0.00001; TOPMed below 0.00001.
gnomAD v4.1: 5 of 1,556,286 alleles (0.00032%); highest among the groups gnomAD compares: Middle Eastern, 0.02%; no homozygotes.

Submissions (3):

Ambry Genetics
Classification: Uncertain significance for Inborn genetic diseases. Last evaluated: 2025-12-11. Review status: criteria provided, single submitter. Criteria: Ambry Variant Classification Scheme 2023. Collection method: clinical testing. Allele origin: germline.

Medical Genetics Lab, Policlinico S. Orsola.Malpighi
Classification: Uncertain significance for Congenital aniridia. Last evaluated: 2020-04-17. Review status: criteria provided, single submitter. Criteria: ACMG Guidelines, 2015. Collection method: clinical testing. Allele origin: paternal. Inheritance: Autosomal dominant inheritance. Affected: yes. Observed: 1 heterozygote.
Comment: This variant is absent in GnomAD and has supportive pathogenic computational verdict, but it is outside the HMG domain, where most pathogenic missense variants in SOX genes are located. Thus, although SOX variants often show incomplete penetrance and variable clinical expressivity, we classify it as of uncertain significance.

Breakthrough Genomics
Classification: Uncertain significance. Review status: criteria provided, single submitter. Criteria: ACMG Guidelines, 2015. Collection method: not provided. Allele origin: germline. Inheritance: Autosomal dominant inheritance. Affected: yes.